The following is an entry in ClinVar:

ClinVar aggregate classification (germline): Likely benign. Review status: criteria provided, multiple submitters, no conflicts (2 of 4 stars). 4 submissions from 4 submitters: Likely benign (4). Last evaluated 2026-08-01.

Conditions:
Joubert syndrome 23 (JBTS23). Identifiers: Orphanet 475, MedGen C4084822, MONDO:0014664, OMIM 616490.
Short-rib thoracic dysplasia 14 with polydactyly (SRTD14). Identifiers: Orphanet 397715, MedGen C4225286, MONDO:0014688, OMIM 616546.

Allele frequency attached by ClinVar (database versions not stated): gnomAD exomes 0.00018 and 0.00037; ExAC 0.00042; gnomAD 0.00051 and 0.00053; TOPMed 0.00056; ESP Exome Variant Server 0.00066; 1000 Genomes Project 0.00080; 1000 Genomes Project 30x 0.00094.
gnomAD v4.1: 362 of 1,613,886 alleles (0.022%); highest among the groups gnomAD compares: Middle Eastern, 0.28%; 1 homozygote.

Submissions (4):

CeGaT Center for Human Genetics Tuebingen
Classification: Likely benign. Last evaluated: 2026-08-01. Review status: criteria provided, single submitter. Criteria: CeGaT Center For Human Genetics Tuebingen Variant Classification Criteria Version 2. Collection method: clinical testing. Allele origin: germline. Affected: yes. Observed: 3 variant alleles.
Comment: KIAA0586: BP4, BP7

Labcorp Genetics (formerly Invitae), Labcorp
Classification: Likely benign for Joubert syndrome 23; Short-rib thoracic dysplasia 14 with polydactyly. Last evaluated: 2026-01-19. Review status: criteria provided, single submitter. Criteria: Invitae Variant Classification Sherloc (09022015). Collection method: clinical testing. Allele origin: germline.

Blueprint Genetics
Classification: Likely benign. Last evaluated: 2024-09-16. Review status: criteria provided, single submitter. Criteria: ACMG Guidelines, 2015. Collection method: clinical testing. Allele origin: germline.

GeneDx
Classification: Likely benign. Last evaluated: 2021-01-28. Review status: criteria provided, single submitter. Criteria: GeneDx Variant Classification Process June 2021. Collection method: clinical testing. Allele origin: germline. Affected: yes.

NM_001329943.3(KIAA0586):c.3688T>C (p.Leu1230=)

Gene: KIAA0586 (KIAA0586; plus strand). Cytogenetic location: 14q23.1.
Variant type: single nucleotide variant.
Coding change: c.3688T>C on transcript NM_001329943.3 (MANE Select); coding-DNA position 3688, T replaced by C.
Protein change: p.Leu1230=; no amino-acid change (leucine 1230 retained).
Molecular consequence: synonymous variant.
Genome position (GRCh38, 1-based): chr14:58,488,781, T>C. VCF-style: chr14-58488781-T-C. GRCh37 (hg19) VCF-style: chr14-58955499-T-C.
Other names: c.3847T>C, p.Leu1283= (NM_001244189.2); c.3643T>C, p.Leu1215= (NM_001244190.2); c.3433T>C, p.Leu1145= (NM_001244191.2, NM_001329945.2, NM_001364700.1 and 1 more transcripts); c.3556T>C, p.Leu1186= (NM_001244192.2); c.3268T>C, p.Leu1090= (NM_001244193.2); c.3688T>C, p.Leu1230= (NM_001329944.2, NM_001329946.2, NM_001329947.2); c.3460T>C, p.Leu1154= (NM_014749.5).
Identifiers: ClinVar variation 772732 (VCV000772732.55), dbSNP rs143158234, ClinGen allele CA7206231.